The following is an entry in ClinVar:

NM_016180.5(SLC45A2):c.802dup (p.Tyr268fs)

Gene: SLC45A2 (solute carrier family 45 member 2; minus strand). Cytogenetic location: 5p13.2.
Variant type: Duplication.
Coding change: c.802dup on transcript NM_016180.5 (MANE Select); coding-DNA position 802, one base duplicated (T; older notation c.802dupT).
Protein change: p.Tyr268fs; shifts the reading frame from tyrosine 268.
Molecular consequence: frameshift variant. On other transcripts: intron variant (1).
Genome position (GRCh38, 1-based): chr5:33,963,777, A duplicated on the plus strand (T on the coding strand, the reverse complement: SLC45A2 is on the minus strand). VCF-style (leftmost placement, unchanged base first): chr5-33963776-T-TA. GRCh37 (hg19) VCF-style: chr5-33963881-T-TA.
Other names: c.802dup, p.Tyr268fs (NM_001012509.4); c.563-9273dup (NM_001297417.4); c.802dupT (NM_016180.4); short protein forms Y268fs.
Identifiers: ClinVar variation 1458648 (VCV001458648.9), dbSNP rs753041550, ClinGen allele CA3225697.

ClinVar aggregate classification (germline): Pathogenic/Likely pathogenic. Review status: criteria provided, multiple submitters, no conflicts (2 of 4 stars). 4 submissions from 4 submitters: Pathogenic (1); Likely pathogenic (3). Last evaluated 2026-07-02.

Conditions:
SKIN/HAIR/EYE PIGMENTATION 5, BLACK/NONBLACK HAIR (SHEP5). Also called: SKIN/HAIR/EYE PIGMENTATION, VARIATION IN, 5; SKIN/HAIR/EYE PIGMENTATION 5, DARK/FAIR SKIN; SKIN/HAIR/EYE PIGMENTATION 5, DARK/LIGHT EYES. Identifiers: MedGen C2673584, OMIM 227240.
Oculocutaneous albinism type 4 (OCA4). Also called: Albinism, oculocutaneous, type IV. Identifiers: Orphanet 79435, MedGen C1847836, MONDO:0011683, OMIM 606574.
SLC45A2-related disorder. Also called: SLC45A2-related condition.

Allele frequency attached by ClinVar (database versions not stated): gnomAD exomes 0.00002 and 0.00004; TOPMed 0.00002; ExAC 0.00001; gnomAD 0.00003.

Submissions (4):

PreventionGenetics, part of Exact Sciences
Classification: Likely pathogenic for SLC45A2-related condition. Last evaluated: 2026-07-02. Review status: criteria provided, single submitter. Criteria: ACMG Guidelines, 2015. Collection method: clinical testing. Allele origin: germline.
Comment: The SLC45A2 c.802dupT variant is predicted to result in a frameshift and premature protein termination (p.Tyr268Leufs*8). To our knowledge, this variant has not been reported in the literature. This variant is present in 0.0044% of alleles in individuals of European (Non-Finnish) descent in gnomAD. Frameshift variants in SLC45A2 are an established mechanism of disease. This variant is interpreted as likely pathogenic.

Labcorp Genetics (formerly Invitae), Labcorp
Classification: Pathogenic. Last evaluated: 2025-12-10. Review status: criteria provided, single submitter. Criteria: Invitae Variant Classification Sherloc (09022015). Collection method: clinical testing. Allele origin: germline.
Comment: This sequence change creates a premature translational stop signal (p.Tyr268Leufs*8) in the SLC45A2 gene. It is expected to result in an absent or disrupted protein product. Loss-of-function variants in SLC45A2 are known to be pathogenic (PMID: 21458243, 26573111). This variant is present in population databases (rs753041550, gnomAD 0.002%). This variant has not been reported in the literature in individuals affected with SLC45A2-related conditions. ClinVar contains an entry for this variant (Variation ID: 1458648). For these reasons, this variant has been classified as Pathogenic.

Fulgent Genetics
Classification: Likely pathogenic for SKIN/HAIR/EYE PIGMENTATION 5, BLACK/NONBLACK HAIR; Oculocutaneous albinism type 4. Last evaluated: 2024-06-11. Review status: criteria provided, single submitter. Criteria: ACMG Guidelines, 2015. Collection method: clinical testing. Allele origin: germline.

Blueprint Genetics
Classification: Likely pathogenic for SLC45A2-related disorders. Last evaluated: 2022-09-01. Review status: criteria provided, single submitter. Criteria: ACMG Guidelines, 2015. Collection method: clinical testing. Allele origin: germline. Affected: yes. Observed: 3 variant alleles.

Literature cited by the submitters: PubMed 21458243 (cited by Labcorp Genetics (formerly Invitae), Labcorp); PubMed 26573111 (cited by Labcorp Genetics (formerly Invitae), Labcorp).